The following is an entry in ClinVar:

ClinVar aggregate classification (germline): Uncertain significance (1 of 4 stars; one submission).

Conditions:
Spinal muscular atrophy, type II (SMA2). Also called: MUSCULAR ATROPHY, SPINAL, INFANTILE CHRONIC FORM; MUSCULAR ATROPHY, SPINAL, INTERMEDIATE TYPE; SMA II. Identifiers: Orphanet 70, Orphanet 83418, MedGen C0393538, MONDO:0009673, OMIM 253550.

Allele frequency attached by ClinVar (database versions not stated): gnomAD exomes 0.00006.

Submission:

Molecular Diagnostics Lab, Nemours Children's Health, Delaware
Classification: Uncertain significance for Spinal muscular atrophy, type II. Last evaluated: 2016-01-22. Review status: criteria provided, single submitter. Criteria: ACMG Guidelines, 2015. Collection method: clinical testing. Allele origin: unknown, biparental, inherited, germline. Affected: no and yes. Observed: 9 variant alleles. Clinical features observed: hypotonia, borderline microcephaly, absent deep tendon reflexes, generalized diffuse weakness, tongue fasciculations, severe hypotonia, ventilator dependent.
Comment: found in cis with c.48_55dupGGATTCCG

Literature cited by the submitters: PubMed 24498607.

NM_000344.4(SMN1):c.662C>T (p.Pro221Leu)

Gene: SMN1 (survival of motor neuron 1, telomeric). Cytogenetic location: 5q13.2.
Variant type: single nucleotide variant.
Coding change: c.662C>T on transcript NM_000344.4 (MANE Select); coding-DNA position 662, C replaced by T.
Protein change: p.Pro221Leu; replaces proline 221 with leucine.
Molecular consequence: missense variant. On other transcripts: intron variant (1).
Genome position (GRCh38, 1-based): chr5:70,944,692, C>T. VCF-style: chr5-70944692-C-T. GRCh37 (hg19) VCF-style: chr5-70240519-C-T.
Other names: c.662C>T, p.Pro221Leu (NM_001297715.1); c.628-1374C>T (NM_022874.2); short protein forms P221L.
Identifiers: ClinVar variation 634932 (VCV000634932.3), dbSNP rs1336155324, ClinGen allele CA360096119.
Genomic context (GRCh38, chr5:70,944,692, plus strand): 5'-ATTTTCCTTTGAAATATTCCTTATAGCCAGGTCTAAAATTCAATGGCCCACCACCGCCAC[C>T]GCCACCACCACCACCCCACTTACTATCATGCTGGCTGCCTCCATTTCCTTCTGGACCACC-3'
Protein context (NP_000335.1, residues 211-231): GLKFNGPPPP[Pro221Leu]PPPPPHLLSC